The following is an entry in ClinVar:

NM_005120.3(MED12):c.4336G>T (p.Ala1446Ser)

Gene: MED12 (mediator complex subunit 12; plus strand). Cytogenetic location: Xq13.1.
Variant type: single nucleotide variant.
Coding change: c.4336G>T on transcript NM_005120.3 (MANE Select); coding-DNA position 4336, G replaced by T.
Protein change: p.Ala1446Ser; replaces alanine 1446 with serine.
Molecular consequence: missense variant.
Genome position (GRCh38, 1-based): chrX:71,132,459, G>T. VCF-style: chrX-71132459-G-T. GRCh37 (hg19) VCF-style: chrX-70352309-G-T.
Other names: short protein forms A1446S.
Identifiers: ClinVar variation 3224585 (VCV003224585.1), dbSNP rs2519700457, ClinGen allele CA413526435.

ClinVar aggregate classification (germline): Uncertain significance (1 of 4 stars; one submission).

Conditions:
Familial thoracic aortic aneurysm and aortic dissection (TAAD). Also called: Thoracic aortic aneurysms and dissections. Identifiers: Orphanet 91387, MedGen C4707243, MONDO:0019625.

Submission:

Ambry Genetics
Classification: Uncertain significance for Familial thoracic aortic aneurysm and aortic dissection. Last evaluated: 2023-09-29. Review status: criteria provided, single submitter. Criteria: Ambry Variant Classification Scheme 2023. Collection method: clinical testing. Allele origin: germline.
Comment: The p.A1446S variant (also known as c.4336G>T), located in coding exon 31 of the MED12 gene, results from a G to T substitution at nucleotide position 4336. The alanine at codon 1446 is replaced by serine, an amino acid with similar properties. This amino acid position is highly conserved in available vertebrate species. In addition, this alteration is predicted to be tolerated by in silico analysis. Since supporting evidence is limited at this time, the clinical significance of this alteration remains unclear.